The following is an entry in ClinVar:

NM_152594.3(SPRED1):c.621A>T (p.Arg207Ser)

Gene: SPRED1 (sprouty related EVH1 domain containing 1; plus strand). Cytogenetic location: 15q14.
Variant type: single nucleotide variant.
Coding change: c.621A>T on transcript NM_152594.3 (MANE Select); coding-DNA position 621, A replaced by T.
Protein change: p.Arg207Ser; replaces arginine 207 with serine.
Molecular consequence: missense variant.
Genome position (GRCh38, 1-based): chr15:38,349,460, A>T. VCF-style: chr15-38349460-A-T. GRCh37 (hg19) VCF-style: chr15-38641661-A-T.
Other names: short protein forms R207S.
Identifiers: ClinVar variation 4174049 (VCV004174049.1).

ClinVar aggregate classification (germline): Uncertain significance (1 of 4 stars; one submission).

Conditions:
Cardiovascular phenotype. Identifiers: MedGen CN230736.

Submission:

Ambry Genetics
Classification: Uncertain significance for Cardiovascular phenotype. Last evaluated: 2025-08-19. Review status: criteria provided, single submitter. Criteria: Ambry Variant Classification Scheme 2023. Collection method: clinical testing. Allele origin: germline.
Comment: The p.R207S variant (also known as c.621A>T), located in coding exon 6 of the SPRED1 gene, results from an A to T substitution at nucleotide position 621. The arginine at codon 207 is replaced by serine, an amino acid with dissimilar properties. This amino acid position is conserved. In addition, the in silico prediction for this alteration is inconclusive. Based on the available evidence, the clinical significance of this variant remains unclear.